The following is an entry in ClinVar:

NM_022336.4(EDAR):c.1148T>C (p.Leu383Pro)

Genes: EDAR (ectodysplasin A receptor; minus strand), RANBP2 (RAN binding protein 2; plus strand). Cytogenetic location: 2q13.
Variant type: single nucleotide variant.
Coding change: c.1148T>C on transcript NM_022336.4 (MANE Select); coding-DNA position 1148, T replaced by C.
Protein change: p.Leu383Pro; replaces leucine 383 with proline.
Molecular consequence: missense variant.
Genome position (GRCh38, 1-based): chr2:108,897,106, A>G on the plus strand (T>C on the coding strand, the complement: EDAR is on the minus strand). VCF-style: chr2-108897106-A-G. GRCh37 (hg19) VCF-style: chr2-109513562-A-G.
Other names: short protein forms L383P.
Identifiers: ClinVar variation 2012787 (VCV002012787.4), dbSNP rs2470613446, ClinGen allele CA348048120.

ClinVar aggregate classification (germline): Uncertain significance (1 of 4 stars; one submission).

Conditions:
Ectodermal dysplasia 10A, hypohidrotic/hair/nail type, autosomal dominant (ECTD10A). Also called: Ectodermal Dysplasia 3, Anhidrotic. Identifiers: Orphanet 1810, Orphanet 238468, MedGen C3888065, MONDO:0007509, OMIM 129490.
Autosomal recessive hypohidrotic ectodermal dysplasia syndrome. Also called: Autosomal recessive hypohidrotic ectodermal dysplasia. Identifiers: Orphanet 248, MedGen C0406702, MONDO:0016619.

Submission:

Labcorp Genetics (formerly Invitae), Labcorp
Classification: Uncertain significance for Ectodermal dysplasia 10A, hypohidrotic/hair/nail type, autosomal dominant; Autosomal recessive hypohidrotic ectodermal dysplasia syndrome. Last evaluated: 2022-07-01. Review status: criteria provided, single submitter. Criteria: Invitae Variant Classification Sherloc (09022015). Collection method: clinical testing. Allele origin: germline.
Comment: In summary, the available evidence is currently insufficient to determine the role of this variant in disease. Therefore, it has been classified as a Variant of Uncertain Significance. Advanced modeling of protein sequence and biophysical properties (such as structural, functional, and spatial information, amino acid conservation, physicochemical variation, residue mobility, and thermodynamic stability) performed at Invitae indicates that this missense variant is expected to disrupt EDAR protein function. This variant has not been reported in the literature in individuals affected with EDAR-related conditions. This variant is not present in population databases (gnomAD no frequency). This sequence change replaces leucine, which is neutral and non-polar, with proline, which is neutral and non-polar, at codon 383 of the EDAR protein (p.Leu383Pro).